The following is an entry in ClinVar:

ClinVar aggregate classification (germline): Uncertain significance (1 of 4 stars; one submission).

Conditions:
Lowe syndrome (OCRL). Also called: LOWE OCULOCEREBRORENAL SYNDROME; PHOSPHATIDYLINOSITOL 4,5-BISPHOSPHATE 5-PHOSPHATASE DEFICIENCY; Oculocerebrorenal Syndrome. Identifiers: Orphanet 534, MedGen C0028860, MONDO:0010645, OMIM 309000.

Submission:

Labcorp Genetics (formerly Invitae), Labcorp
Classification: Uncertain significance for Lowe syndrome. Last evaluated: 2024-11-30. Review status: criteria provided, single submitter. Criteria: Invitae Variant Classification Sherloc (09022015). Collection method: clinical testing. Allele origin: germline.
Comment: This sequence change replaces serine, which is neutral and polar, with arginine, which is basic and polar, at codon 568 of the OCRL protein (p.Ser568Arg). This variant is not present in population databases (gnomAD no frequency). This variant has not been reported in the literature in individuals affected with OCRL-related conditions. Invitae Evidence Modeling of protein sequence and biophysical properties (such as structural, functional, and spatial information, amino acid conservation, physicochemical variation, residue mobility, and thermodynamic stability) indicates that this missense variant is not expected to disrupt OCRL protein function with a negative predictive value of 80%. In summary, the available evidence is currently insufficient to determine the role of this variant in disease. Therefore, it has been classified as a Variant of Uncertain Significance.

NM_000276.4(OCRL):c.1704C>A (p.Ser568Arg)

Gene: OCRL (OCRL inositol polyphosphate-5-phosphatase; plus strand). Cytogenetic location: Xq26.1.
Variant type: single nucleotide variant.
Coding change: c.1704C>A on transcript NM_000276.4 (MANE Select); coding-DNA position 1704, C replaced by A.
Protein change: p.Ser568Arg; replaces serine 568 with arginine.
Molecular consequence: missense variant.
Genome position (GRCh38, 1-based): chrX:129,575,241, C>A. VCF-style: chrX-129575241-C-A. GRCh37 (hg19) VCF-style: chrX-128709218-C-A.
Other names: c.1707C>A, p.Ser569Arg (NM_001318784.2); c.1704C>A, p.Ser568Arg (NM_001587.4); short protein forms S569R, S568R.
Identifiers: ClinVar variation 3667468 (VCV003667468.2).